The following continues an entry in ClinVar:

NM_000478.6(ALPL):c.1172G>A (p.Arg391His)

Gene: ALPL. ClinVar aggregate classification (germline): Pathogenic. Pathogenic (10).

Submissions 10 to 11 of 11:

Seattle Children's Hospital Molecular Genetics Laboratory, Seattle Children's Hospital
Classification: Pathogenic for Childhood hypophosphatasia. Last evaluated: 2021-07-06. Review status: criteria provided, single submitter. Criteria: ACMG Guidelines, 2015. Collection method: clinical testing. Allele origin: unknown. Affected: yes. Observed: 1 variant allele, 1 heterozygote.
Comment: A heterozygous pathogenic variant was identified in ALPL (NM_000478.4:c.1172G>A, p.Arg391His, rs1442918125). The result is consistent with a diagnosis of ALPL-related hypophosphatasia. No additional clinically significant variants in ALPL were observed. The c.1172G>A variant is located in exon 10 of the ALPL gene. This variant substitutes the arginine with histidine at amino acid position 391 of the protein. The p.Arg391His variant has previously been reported in two unrelated individuals with hypophosphatasia (PMID: 11760847, 19500388). A second pathogenic ALPL variant was not identified in either reported case. This is a conserved nucleotide across species and several in silico tools predict this substitution would be damaging to protein function. Experimental studies have demonstrated that the p.Arg391His change causes a near complete loss of ALPL enzymatic activity (PMID: 11760847). Further supporting pathogenicity of this variant, a different missense change at the same residue (p.Arg391Cys) has been reported in multiple individuals with hypophosphatasia (PMID: 19500388, 10332035). In the case of childhood-onset hypophosphatasia, the p.Arg391His variant was inherited from a parent, but no clinical information was provided for this parent (PMID: 19500388). The p.Arg391His variant has also been observed in 3 of 282,880 alleles in a large population study (GnomAD v2.1). While individuals with severe pediatric disease have been removed from this dataset, it remains possible that individuals with mild or adult-onset forms of hypophosphatasia are included in this cohort. With the currently available information, ALPL p.Arg391His is considered a pathogenic variant, albeit with variable expressivity and possibly reduced penetrance, as has been observed for other pathogenic ALPL variants (NBK1150). Hypophosphatasia may be inherited in an autosomal recessive or autosomal dominant manner.

Counsyl
Classification: Uncertain significance for Infantile hypophosphatasia. Last evaluated: 2017-02-08. Review status: no assertion criteria provided. Collection method: clinical testing. Allele origin: unknown. Not counted in ClinVar's aggregate classification.

Literature cited by the submitters: PubMed 19500388 (cited by 7 submitters); PubMed 11760847 (cited by 7 submitters); PubMed 25731960 (cited by 5 submitters); PubMed 37600704 (cited by Victorian Clinical Genetics Services, Murdoch Childrens Research Institute and Genomenon, Inc); PubMed 32973344 (cited by Victorian Clinical Genetics Services, Murdoch Childrens Research Institute and Genomenon, Inc); PubMed 23688511 (cited by Victorian Clinical Genetics Services, Murdoch Childrens Research Institute); PubMed 20301329 (cited by Victorian Clinical Genetics Services, Murdoch Childrens Research Institute); PubMed 29236161 (cited by Genomenon, Inc); PubMed 32811521 (cited by Genomenon, Inc); PubMed 30655187 (cited by Genomenon, Inc); PubMed 32160374 (cited by Genomenon, Inc and Mayo Clinic Laboratories, Mayo Clinic); PubMed 10332035 (cited by Mayo Clinic Laboratories, Mayo Clinic and Seattle Children's Hospital Molecular Genetics Laboratory, Seattle Children's Hospital); PubMed 37422472 (cited by Mayo Clinic Laboratories, Mayo Clinic); NCBI Bookshelf 1150 (cited by Seattle Children's Hospital Molecular Genetics Laboratory, Seattle Children's Hospital).